The following is an entry in ClinVar:

NM_005263.5(GFI1):c.316T>C (p.Cys106Arg)

Gene: GFI1 (growth factor independent 1 transcriptional repressor; minus strand). Cytogenetic location: 1p22.1.
Variant type: single nucleotide variant.
Coding change: c.316T>C on transcript NM_005263.5 (MANE Select); coding-DNA position 316, T replaced by C.
Protein change: p.Cys106Arg; replaces cysteine 106 with arginine.
Molecular consequence: missense variant.
Genome position (GRCh38, 1-based): chr1:92,481,071, A>G on the plus strand (T>C on the coding strand, the complement: GFI1 is on the minus strand). VCF-style: chr1-92481071-A-G. GRCh37 (hg19) VCF-style: chr1-92946628-A-G.
Other names: c.316T>C, p.Cys106Arg (NM_001127215.3, NM_001127216.3); short protein forms C106R.
Identifiers: ClinVar variation 4263200 (VCV004263200.1).

ClinVar aggregate classification (germline): Uncertain significance (1 of 4 stars; one submission).

Submission:

Ambry Genetics
Classification: Uncertain significance. Last evaluated: 2025-07-14. Review status: criteria provided, single submitter. Criteria: Ambry Variant Classification Scheme 2023. Collection method: clinical testing. Allele origin: germline.
Comment: The p.C106R variant (also known as c.316T>C), located in coding exon 3 of the GFI1 gene, results from a T to C substitution at nucleotide position 316. The cysteine at codon 106 is replaced by arginine, an amino acid with highly dissimilar properties. This amino acid position is conserved. In addition, this alteration is predicted to be tolerated by in silico analysis. Based on the available evidence, the clinical significance of this variant remains unclear.